The following is an entry in ClinVar:

ClinVar aggregate classification (germline): Uncertain significance. Review status: criteria provided, multiple submitters, no conflicts (2 of 4 stars). 2 submissions from 2 submitters: Uncertain significance (2). Last evaluated 2024-05-04.

Conditions:
Arginase deficiency. Also called: ARGININEMIA; ARG1 DEFICIENCY; Arginase 1 Deficiency. Identifiers: Orphanet 90, MedGen C0268548, MONDO:0008814, OMIM 207800.

Allele frequency attached by ClinVar (database versions not stated): gnomAD 0.00001; TOPMed 0.00002; gnomAD exomes below 0.00001.
gnomAD v4.1: 3 of 1,613,920 alleles (0.00019%); highest among the groups gnomAD compares: African/African-American, 0.0027%; no homozygotes.

Submissions (2):

GeneDx
Classification: Uncertain significance. Last evaluated: 2024-05-04. Review status: criteria provided, single submitter. Criteria: GeneDx Variant Classification Process June 2021. Collection method: clinical testing. Allele origin: germline. Affected: yes.
Comment: Not observed at significant frequency in large population cohorts (gnomAD); In silico analysis supports that this missense variant has a deleterious effect on protein structure/function; Has not been previously published as pathogenic or benign to our knowledge

Labcorp Genetics (formerly Invitae), Labcorp
Classification: Uncertain significance for Arginase deficiency. Last evaluated: 2022-08-10. Review status: criteria provided, single submitter. Criteria: Invitae Variant Classification Sherloc (09022015). Collection method: clinical testing. Allele origin: germline.
Comment: In summary, the available evidence is currently insufficient to determine the role of this variant in disease. Therefore, it has been classified as a Variant of Uncertain Significance. Algorithms developed to predict the effect of missense changes on protein structure and function are either unavailable or do not agree on the potential impact of this missense change (SIFT: "Tolerated"; PolyPhen-2: "Possibly Damaging"; Align-GVGD: "Class C0"). This variant has not been reported in the literature in individuals affected with ARG1-related conditions. This variant is not present in population databases (gnomAD no frequency). This sequence change replaces methionine, which is neutral and non-polar, with threonine, which is neutral and polar, at codon 276 of the ARG1 protein (p.Met276Thr).

NM_000045.4(ARG1):c.827T>C (p.Met276Thr)

Genes: ARG1 (arginase 1; plus strand), MED23 (mediator complex subunit 23; minus strand). Cytogenetic location: 6q23.2.
Variant type: single nucleotide variant.
Coding change: c.827T>C on transcript NM_000045.4 (MANE Select); coding-DNA position 827, T replaced by C.
Protein change: p.Met276Thr; replaces methionine 276 with threonine.
Molecular consequence: missense variant. On other transcripts: non-coding transcript variant (1), intron variant (2).
Genome position (GRCh38, 1-based): chr6:131,583,766, T>C. VCF-style: chr6-131583766-T-C. GRCh37 (hg19) VCF-style: chr6-131904906-T-C.
Other names: c.851T>C, p.Met284Thr (NM_001244438.2); c.572T>C, p.Met191Thr (NM_001369020.1); c.4077+3943A>G (NM_001270521.2); c.4095+3943A>G (NM_015979.4); short protein forms M284T, M191T, M276T.
Identifiers: ClinVar variation 1972095 (VCV001972095.6), dbSNP rs1395352972, ClinGen allele CA365653494.